The following is an entry in ClinVar:

NM_000098.3(CPT2):c.437A>C (p.Asn146Thr)

Gene: CPT2 (carnitine palmitoyltransferase 2; plus strand). Cytogenetic location: 1p32.3.
Variant type: single nucleotide variant.
Coding change: c.437A>C on transcript NM_000098.3 (MANE Select); coding-DNA position 437, A replaced by C.
Protein change: p.Asn146Thr; replaces asparagine 146 with threonine.
Molecular consequence: missense variant.
Genome position (GRCh38, 1-based): chr1:53,210,111, A>C. VCF-style: chr1-53210111-A-C. GRCh37 (hg19) VCF-style: chr1-53675783-A-C.
Other names: c.437A>C, p.Asn146Thr (NM_001330589.2); short protein forms N146T.
Identifiers: ClinVar variation 4688387 (VCV004688387.1).

ClinVar aggregate classification (germline): Uncertain significance (1 of 4 stars; one submission).

gnomAD v4.1: 1 of 1,614,134 alleles (0.000062%); highest among the groups gnomAD compares: Non-Finnish European, 0.000085%; no homozygotes.

Submission:

Women's Health and Genetics/Laboratory Corporation of America, LabCorp
Classification: Uncertain significance. Last evaluated: 2025-12-11. Review status: criteria provided, single submitter. Criteria: LabCorp Variant Classification Summary - May 2015. Collection method: clinical testing. Allele origin: germline.
Comment: Variant summary: CPT2 c.437A>C (p.Asn146Thr) results in a non-conservative amino acid change in the encoded protein sequence. Algorithms developed to predict the effect of missense changes on protein structure and function all suggest that this variant is likely to be disruptive. The variant allele was found at a frequency of 4e-06 in 251488 control chromosomes (gnomAD). The available data on variant occurrences in the general population are insufficient to allow any conclusion about variant significance. c.437A>C has been observed in an individual(s) affected with Carnitine Palmitoyltransferase II Deficiency (Thuillier_2003). These data do not allow any conclusion about variant significance. To our knowledge, no experimental evidence demonstrating an impact on protein function has been reported. The following publication has been ascertained in the context of this evaluation (PMID: 12673791). No submitters have cited clinical-significance assessments for this variant to ClinVar. Based on the evidence outlined above, the variant was classified as uncertain significance.

Literature cited by the submitters: PubMed 12673791.